The following is an entry in ClinVar:

NM_017739.4(POMGNT1):c.643C>T (p.Arg215Ter)

Genes: POMGNT1 (protein O-linked mannose N-acetylglucosaminyltransferase 1 (beta 1,2-); minus strand), TSPAN1 (tetraspanin 1; plus strand). Cytogenetic location: 1p34.1.
Variant type: single nucleotide variant.
Coding change: c.643C>T on transcript NM_017739.4 (MANE Select); coding-DNA position 643, C replaced by T.
Protein change: p.Arg215Ter; replaces arginine 215 with a stop codon.
Molecular consequence: nonsense.
Genome position (GRCh38, 1-based): chr1:46,194,853, G>A on the plus strand (C>T on the coding strand, the complement: POMGNT1 is on the minus strand). VCF-style: chr1-46194853-G-A. GRCh37 (hg19) VCF-style: chr1-46660525-G-A.
Other names: NM_017739.4(POMGNT1):c.643C>T; p.Arg215Ter; c.643C>T, p.Arg215Ter (NM_001243766.2, NM_001410783.1); c.577C>T, p.Arg193Ter (NM_001290129.3); c.214C>T, p.Arg72Ter (NM_001290130.2); short protein forms R215*, R193*, R72*.
Identifiers: ClinVar variation 56604 (VCV000056604.54), dbSNP rs386834034, ClinGen allele CA263981.

ClinVar aggregate classification (germline): Pathogenic. Review status: criteria provided, multiple submitters, no conflicts (2 of 4 stars). 16 submissions from 13 submitters: Pathogenic (11). 5 of the submissions do not count toward it. Last evaluated 2025-12-30.

Conditions:
Autosomal recessive limb-girdle muscular dystrophy type 2O. Also called: MUSCULAR DYSTROPHY-DYSTROGLYCANOPATHY (LIMB-GIRDLE), TYPE C, 3; MUSCULAR DYSTROPHY-DYSTROGLYCANOPATHY, LIMB-GIRDLE, POMGNT1-RELATED; Limb-Girdle Muscular Dystrophy Type 3C. Identifiers: Orphanet 206564, MedGen C3150417, MONDO:0013161, OMIM 613157.
Muscular dystrophy-dystroglycanopathy (congenital with impaired intellectual development), type B, 3. Also called: Muscular dystrophy-dystroglycanopathy (congenital with intellectual disability), type B3; MUSCULAR DYSTROPHY, CONGENITAL, POMGNT1-RELATED. Identifiers: MedGen C3150412, MONDO:0013155, OMIM 613151.
Muscular dystrophy-dystroglycanopathy. Also called: Congenital muscular dystrophy due to dystroglycanopathy. Identifiers: Orphanet 370953, MedGen C5679911, MONDO:0018276.
POMGNT1-related disorder. Also called: POMGNT1-related condition; POMGNT1-related disorders. Identifiers: MedGen CN239299.
Retinitis pigmentosa 76 (RP76). Identifiers: MedGen C4310704, MONDO:0014929, OMIM 617123.
Muscular dystrophy-dystroglycanopathy (congenital with brain and eye anomalies), type A3. Also called: Muscular dystrophy-dystroglycanopathy (congenital with brain and eye anomalies), type A, 3; Congenital muscular dystrophy-dystroglycanopathy with brain and eye anomalies, type A3; WALKER-WARBURG SYNDROME OR MUSCLE-EYE-BRAIN DISEASE, POMGNT1-RELATED. Identifiers: MedGen C3151519, MONDO:0009667, OMIM 253280.
Muscle eye brain disease (MEB). Also called: Santavuori congenital muscular dystrophy. Identifiers: Orphanet 588, Orphanet 899, MedGen C0457133, MONDO:0018939.

Allele frequency attached by ClinVar (database versions not stated): gnomAD 0.00001; TOPMed 0.00001; ExAC 0.00002; gnomAD exomes 0.00002.
gnomAD v4.1: 15 of 1,613,798 alleles (0.00093%); highest among the groups gnomAD compares: Admixed American, 0.005%; no homozygotes.

Submissions 1 to 10 of 16:

Labcorp Genetics (formerly Invitae), Labcorp
Classification: Pathogenic for Autosomal recessive limb-girdle muscular dystrophy type 2O; Muscular dystrophy-dystroglycanopathy (congenital with impaired intellectual development), type B, 3. Last evaluated: 2025-12-30. Review status: criteria provided, single submitter. Criteria: Invitae Variant Classification Sherloc (09022015). Collection method: clinical testing. Allele origin: germline.
Comment: This sequence change creates a premature translational stop signal (p.Arg215*) in the POMGNT1 gene. It is expected to result in an absent or disrupted protein product. Loss-of-function variants in POMGNT1 are known to be pathogenic (PMID: 19299310, 20816175, 21447391, 26908613, 27391550). This variant is present in population databases (rs386834034, gnomAD 0.006%). This premature translational stop signal has been observed in individual(s) with muscular dystrophy-dystroglycanopathy (PMID: 22554691, 26938784, 28832562). In at least one individual the data is consistent with being in trans (on the opposite chromosome) from a pathogenic variant. ClinVar contains an entry for this variant (Variation ID: 56604). Algorithms developed to predict the effect of sequence changes on RNA splicing suggest that this variant may disrupt the consensus splice site. For these reasons, this variant has been classified as Pathogenic.

Natera, Inc.
Classification: Pathogenic for Muscle-eye-brain disease. Last evaluated: 2025-09-16. Review status: criteria provided, single submitter. Criteria: Natera Variant Classification Schema (03/2026). Collection method: clinical testing. Allele origin: germline.
Comment: The c.643C>T variant in POMGNT1 is a nonsense variant predicted to introduce a stop codon at amino acid 215. This variant is expected to result in nonsense mediated decay, truncation, or a dysfunctional protein product. This variant is rare in the general population with a frequency below the threshold expected for the associated phenotype(s). This variant has been observed in one or more individuals affected with the associated recessive disease, as either homozygous or compound heterozygous with a second variant (PMID: 22554691). Given the available evidence, this variant is classified as Pathogenic.

MVZ Medizinische Genetik Mainz
Classification: Pathogenic for Muscular dystrophy-dystroglycanopathy (congenital with impaired intellectual development), type B, 3. Last evaluated: 2024-10-28. Review status: criteria provided, single submitter. Criteria: UK Practice Guidelines For Variant Classification V4 01 2020. Collection method: clinical testing. Allele origin: germline. Inheritance: Autosomal recessive inheritance. Affected: yes. Observed: 1 variant allele.
Comment: ACMG Criteria: PVS1,PM3_STR,PM2_SUP

Blueprint Genetics
Classification: Pathogenic for POMGNT1-related disorders. Last evaluated: 2024-09-03. Review status: criteria provided, single submitter. Criteria: ACMG Guidelines, 2015. Collection method: clinical testing. Allele origin: germline. Affected: yes. Observed: 5 variant alleles.

Fulgent Genetics
Classification: Pathogenic for Muscular dystrophy-dystroglycanopathy (congenital with brain and eye anomalies), type A3; Muscular dystrophy-dystroglycanopathy (congenital with impaired intellectual development), type B, 3; Autosomal recessive limb-girdle muscular dystrophy type 2O; Retinitis pigmentosa 76. Last evaluated: 2024-04-23. Review status: criteria provided, single submitter. Criteria: ACMG Guidelines, 2015. Collection method: clinical testing. Allele origin: germline.

Baylor Genetics
Classification: Pathogenic for Muscular dystrophy-dystroglycanopathy (congenital with brain and eye anomalies), type A3. Last evaluated: 2024-03-20. Review status: criteria provided, single submitter. Criteria: ACMG Guidelines, 2015. Collection method: clinical testing. Allele origin: unknown.

GeneDx
Classification: Pathogenic. Last evaluated: 2024-03-06. Review status: criteria provided, single submitter. Criteria: GeneDx Variant Classification Process June 2021. Collection method: clinical testing. Allele origin: germline. Affected: yes.
Comment: Nonsense variant predicted to result in protein truncation or nonsense mediated decay in a gene for which loss of function is a known mechanism of disease; Not observed at significant frequency in large population cohorts (gnomAD); This variant is associated with the following publications: (PMID: 19299310, 26938784, 22554691, 31964843, 29453417, 28832562)

Broad Center for Mendelian Genomics, Broad Institute of MIT and Harvard
Classification: Pathogenic for Muscular dystrophy-dystroglycanopathy. Last evaluated: 2023-01-24. Review status: criteria provided, single submitter. Criteria: ACMG Guidelines, 2015. Collection method: curation. Allele origin: germline. Inheritance: Autosomal recessive inheritance.
Comment: The p.Arg215Ter variant in POMGNT1 has been reported in at least two individuals with muscular dystrophy-dystroglycanopathy (PMID: 22554691, 26938784), and has been identified in 0.006% (2/34582) of Latino/Admixed American chromosomes by the Genome Aggregation Database (gnomAD; dbSNP ID: rs386834034). Although this variant has been seen in the general population in a heterozygous state, its frequency is low enough to be consistent with a recessive carrier frequency. This variant has also been reported in ClinVar (Variation ID#: 56604) and has been interpreted as pathogenic/likely pathogenic by multiple labs. Of the two affected individuals reported, one was a compound heterozygote who carried a reported pathogenic variant in trans, which increases the likelihood that the p.Arg215Ter variant is pathogenic (PMID: 22554691, ClinVarID: 56610). cDNA sequencing analysis performed on affected tissue shows exon 7 skipping, which is out-of-frame exon (PMID:22554691). This nonsense variant leads to a premature termination codon at position 215, which is predicted to lead to a truncated or absent protein. Loss of function of the POMGNT1 gene is an established disease mechanism in autosomal recessive POMGNT1-associated muscular dystrophy-dystroglycanopathy. In summary, this variant meets criteria to be classified as pathogenic for POMGNT1-associated muscular dystrophy-dystroglycanopathy. ACMG/AMP Criteria applied: PVS1, PM2_supporting, PM3, PS3 (Richards 2015).

CeGaT Center for Human Genetics Tuebingen
Classification: Pathogenic. Last evaluated: 2022-06-01. Review status: criteria provided, single submitter. Criteria: CeGaT Center For Human Genetics Tuebingen Variant Classification Criteria Version 2. Collection method: clinical testing. Allele origin: germline. Affected: yes. Observed: 1 variant allele.
Comment: POMGNT1: PVS1, PM3:Strong, PM2

Victorian Clinical Genetics Services, Murdoch Childrens Research Institute
Classification: Pathogenic for Muscular dystrophy-dystroglycanopathy. Last evaluated: 2022-02-02. Review status: criteria provided, single submitter. Criteria: ACMG Guidelines, 2015. Collection method: clinical testing. Allele origin: germline. Inheritance: Autosomal recessive inheritance.
Comment: Based on the classification scheme VCGS_Germline_v1.3.4, this variant is classified as Pathogenic. Following criteria are met: 0102 - Loss of function is a known mechanism of disease in this gene and is associated with POMGNT1-related disorders. (I) 0106 - This gene is associated with autosomal recessive disease. (I) 0201 - Variant is predicted to cause nonsense-mediated decay (NMD) and loss of protein (premature termination codon is located at least 54 nucleotides upstream of the final exon-exon junction). (SP) 0252 - This variant is homozygous. (I) 0304 - Variant is present in gnomAD <0.01 for a recessive condition (v2: 5 heterozygotes, 0 homozygotes). (SP) 0701 - Other NMD variants comparable to the one identified in this case have very strong previous evidence for pathogenicity (ClinVar, DECIPHER). (SP) 0802 - This variant has moderate previous evidence of pathogenicity in unrelated individuals. It has been reported as pathogenic and likely pathogenic in ClinVar in individuals with POMGNT1-related disorders. (I) Legend: (SP) - Supporting pathogenic, (I) - Information, (SB) - Supporting benign